The following is an entry in ClinVar:

NM_001367624.2(ZNF469):c.1474C>T (p.Arg492Trp)

Gene: ZNF469 (zinc finger protein 469; plus strand). Cytogenetic location: 16q24.2.
Variant type: single nucleotide variant.
Coding change: c.1474C>T on transcript NM_001367624.2 (MANE Select); coding-DNA position 1474, C replaced by T.
Protein change: p.Arg492Trp; replaces arginine 492 with tryptophan.
Molecular consequence: missense variant.
Genome position (GRCh38, 1-based): chr16:88,428,944, C>T. VCF-style: chr16-88428944-C-T. GRCh37 (hg19) VCF-style: chr16-88495352-C-T.
Other names: NM_001127464.1:c.1474C>T; short protein forms R492W.
Identifiers: ClinVar variation 1773438 (VCV001773438.5), dbSNP rs868468606, ClinGen allele CA286372772.

ClinVar aggregate classification (germline): Conflicting classifications of pathogenicity. Review status: criteria provided, conflicting classifications (1 of 4 stars). 2 submissions from 2 submitters: Uncertain significance (1); Likely benign (1). Last evaluated 2024-11-26.

Conditions:
Cardiovascular phenotype. Identifiers: MedGen CN230736.

Allele frequency attached by ClinVar (database versions not stated): gnomAD exomes 0.00002; TOPMed 0.00003; gnomAD 0.00002.
gnomAD v4.1: 29 of 1,546,808 alleles (0.0019%); highest among the groups gnomAD compares: Admixed American, 0.02%; 1 homozygote.

Submissions (2):

Ambry Genetics
Classification: Likely benign for Cardiovascular phenotype. Last evaluated: 2024-11-26. Review status: criteria provided, single submitter. Criteria: Ambry Variant Classification Scheme 2023. Collection method: clinical testing. Allele origin: germline.

Labcorp Genetics (formerly Invitae), Labcorp
Classification: Uncertain significance. Last evaluated: 2022-07-30. Review status: criteria provided, single submitter. Criteria: Invitae Variant Classification Sherloc (09022015). Collection method: clinical testing. Allele origin: germline.
Comment: This sequence change replaces arginine, which is basic and polar, with tryptophan, which is neutral and slightly polar, at codon 492 of the ZNF469 protein (p.Arg492Trp). This variant is present in population databases (no rsID available, gnomAD 0.03%), including at least one homozygous and/or hemizygous individual. This variant has not been reported in the literature in individuals affected with ZNF469-related conditions. Algorithms developed to predict the effect of missense changes on protein structure and function (SIFT, PolyPhen-2, Align-GVGD) all suggest that this variant is likely to be tolerated. In summary, the available evidence is currently insufficient to determine the role of this variant in disease. Therefore, it has been classified as a Variant of Uncertain Significance.